The following is an entry in ClinVar:

NM_000179.3(MSH6):c.3386G>C (p.Cys1129Ser)

Gene: MSH6 (mutS homolog 6; plus strand). Cytogenetic location: 2p16.3.
Variant type: single nucleotide variant.
Coding change: c.3386G>C on transcript NM_000179.3 (MANE Select); coding-DNA position 3386, G replaced by C.
Protein change: p.Cys1129Ser; replaces cysteine 1129 with serine.
Molecular consequence: missense variant. On other transcripts: non-coding transcript variant (5).
Genome position (GRCh38, 1-based): chr2:47,803,633, G>C. VCF-style: chr2-47803633-G-C. GRCh37 (hg19) VCF-style: chr2-48030772-G-C.
Other names: c.2996G>C, p.Cys999Ser (NM_001281492.2); c.2480G>C, p.Cys827Ser (NM_001281493.2, NM_001281494.2, NM_001406811.1 and 6 more transcripts); c.3482G>C, p.Cys1161Ser (NM_001406795.1, NM_001406802.1); c.3386G>C, p.Cys1129Ser (NM_001406796.1, NM_001406800.1, NM_001406808.1 and 1 more transcripts); c.3089G>C, p.Cys1030Ser (NM_001406797.1, NM_001406801.1, NM_001406805.1 and 10 more transcripts); c.3212G>C, p.Cys1071Ser (NM_001406798.1); c.2861G>C, p.Cys954Ser (NM_001406799.1, NM_001406806.1, NM_001406807.1); c.2522G>C, p.Cys841Ser (NM_001406803.1); and 7 more; short protein forms C1073S, C1103S, C56S, C78S, C999S, C1030S, C1071S, C1161S.
Identifiers: ClinVar variation 3296426 (VCV003296426.3).

ClinVar aggregate classification (germline): Uncertain significance. Review status: criteria provided, multiple submitters, no conflicts (2 of 4 stars). 2 submissions from 2 submitters: Uncertain significance (2). Last evaluated 2025-01-08.

Conditions:
Hereditary cancer-predisposing syndrome. Also called: Tumor predisposition; Hereditary Cancer Syndrome; Hereditary neoplastic syndrome; Neoplastic Syndromes, Hereditary. Identifiers: Orphanet 140162, MedGen C0027672, MeSH D009386, MONDO:0015356.
Hereditary nonpolyposis colorectal neoplasms. Identifiers: MedGen C0009405, MeSH D003123.

Submissions (2):

Labcorp Genetics (formerly Invitae), Labcorp
Classification: Uncertain significance for Hereditary nonpolyposis colorectal neoplasms. Last evaluated: 2025-01-08. Review status: criteria provided, single submitter. Criteria: Invitae Variant Classification Sherloc (09022015). Collection method: clinical testing. Allele origin: germline.
Comment: This sequence change replaces cysteine, which is neutral and slightly polar, with serine, which is neutral and polar, at codon 1129 of the MSH6 protein (p.Cys1129Ser). This variant is not present in population databases (gnomAD no frequency). This variant has not been reported in the literature in individuals affected with MSH6-related conditions. Invitae Evidence Modeling of protein sequence and biophysical properties (such as structural, functional, and spatial information, amino acid conservation, physicochemical variation, residue mobility, and thermodynamic stability) indicates that this missense variant is not expected to disrupt MSH6 protein function with a negative predictive value of 95%. In summary, the available evidence is currently insufficient to determine the role of this variant in disease. Therefore, it has been classified as a Variant of Uncertain Significance.

Ambry Genetics
Classification: Uncertain significance for Hereditary cancer-predisposing syndrome. Last evaluated: 2024-06-14. Review status: criteria provided, single submitter. Criteria: Ambry Variant Classification Scheme 2023. Collection method: clinical testing. Allele origin: germline.
Comment: The p.C1129S variant (also known as c.3386G>C), located in coding exon 5 of the MSH6 gene, results from a G to C substitution at nucleotide position 3386. The cysteine at codon 1129 is replaced by serine, an amino acid with dissimilar properties. This amino acid position is conserved. In addition, this alteration is predicted to be deleterious by in silico analysis. Based on the available evidence, the clinical significance of this variant remains unclear.